The following is an entry in ClinVar:

ClinVar aggregate classification (germline): Uncertain significance (1 of 4 stars; one submission).

Submission:

Women's Health and Genetics/Laboratory Corporation of America, LabCorp
Classification: Uncertain significance. Last evaluated: 2025-11-20. Review status: criteria provided, single submitter. Criteria: LabCorp Variant Classification Summary - May 2015. Collection method: clinical testing. Allele origin: germline.
Comment: Variant summary: TCOF1 c.1660G>A (p.Asp554Asn) results in a conservative amino acid change in the encoded protein sequence. Algorithms developed to predict the effect of missense changes on protein structure and function all suggest that this variant is likely to be tolerated. The variant was absent in 251212 control chromosomes. The available data on variant occurrences in the general population are insufficient to allow any conclusion about variant significance. To our knowledge, no occurrence of c.1660G>A in individuals affected with TCOF1-related conditions and no experimental evidence demonstrating its impact on protein function have been reported. No submitters have cited clinical-significance assessments for this variant to ClinVar. Based on the evidence outlined above, the variant was classified as uncertain significance.

NM_001371623.1(TCOF1):c.1660G>A (p.Asp554Asn)

Gene: TCOF1 (treacle ribosome biogenesis factor 1; plus strand). Cytogenetic location: 5q32.
Variant type: single nucleotide variant.
Coding change: c.1660G>A on transcript NM_001371623.1 (MANE Select); coding-DNA position 1660, G replaced by A.
Protein change: p.Asp554Asn; replaces aspartic acid 554 with asparagine.
Molecular consequence: missense variant.
Genome position (GRCh38, 1-based): chr5:150,375,510, G>A. VCF-style: chr5-150375510-G-A. GRCh37 (hg19) VCF-style: chr5-149755073-G-A.
Other names: c.1429G>A, p.Asp477Asn (NM_000356.4, NM_001135245.2, NM_001437406.1); c.1660G>A, p.Asp554Asn (NM_001008657.3, NM_001135243.2, NM_001135244.2 and 1 more transcripts); short protein forms D477N, D554N.
Identifiers: ClinVar variation 4537269 (VCV004537269.1).